The following is an entry in ClinVar:

NM_015072.5(TTLL5):c.973A>G (p.Ile325Val)

Gene: TTLL5 (tubulin tyrosine ligase like 5; plus strand). Cytogenetic location: 14q24.3.
Variant type: single nucleotide variant.
Coding change: c.973A>G on transcript NM_015072.5 (MANE Select); coding-DNA position 973, A replaced by G.
Protein change: p.Ile325Val; replaces isoleucine 325 with valine.
Molecular consequence: missense variant.
Genome position (GRCh38, 1-based): chr14:75,720,634, A>G. VCF-style: chr14-75720634-A-G. GRCh37 (hg19) VCF-style: chr14-76186977-A-G.
Other names: short protein forms I325V.
Identifiers: ClinVar variation 1359290 (VCV001359290.8), dbSNP rs1324987122, ClinGen allele CA390458705.

ClinVar aggregate classification (germline): Uncertain significance (1 of 4 stars; one submission).

Allele frequency attached by ClinVar (database versions not stated): gnomAD 0.00001; gnomAD exomes 0.00001 and 0.00003; TOPMed 0.00002.

Submission:

Labcorp Genetics (formerly Invitae), Labcorp
Classification: Uncertain significance. Last evaluated: 2020-12-23. Review status: criteria provided, single submitter. Criteria: Invitae Variant Classification Sherloc (09022015). Collection method: clinical testing. Allele origin: germline.
Comment: Algorithms developed to predict the effect of missense changes on protein structure and function output the following: SIFT: "Tolerated"; PolyPhen-2: "Benign"; Align-GVGD: "Class C0". The valine amino acid residue is found in multiple mammalian species, suggesting that this missense change does not adversely affect protein function. These predictions have not been confirmed by published functional studies and their clinical significance is uncertain. This variant has not been reported in the literature in individuals with TTLL5-related conditions. This variant is not present in population databases (ExAC no frequency). This sequence change replaces isoleucine with valine at codon 325 of the TTLL5 protein (p.Ile325Val). The isoleucine residue is moderately conserved and there is a small physicochemical difference between isoleucine and valine. In summary, the available evidence is currently insufficient to determine the role of this variant in disease. Therefore, it has been classified as a Variant of Uncertain Significance.